The following is an entry in ClinVar:

NM_145868.2(ANXA11):c.1119A>G (p.Gly373=)

Gene: ANXA11 (annexin A11; minus strand). Cytogenetic location: 10q22.3.
Variant type: single nucleotide variant.
Coding change: c.1119A>G on transcript NM_145868.2 (MANE Select); coding-DNA position 1119, A replaced by G.
Protein change: p.Gly373=; no amino-acid change (glycine 373 retained).
Molecular consequence: synonymous variant.
Genome position (GRCh38, 1-based): chr10:80,161,996, T>C on the plus strand (A>G on the coding strand, the complement: ANXA11 is on the minus strand). VCF-style: chr10-80161996-T-C. GRCh37 (hg19) VCF-style: chr10-81921752-T-C.
Other names: p.Gly373=; c.1119A>G, p.Gly373= (NM_001157.3, NM_001278407.2, NM_001278408.2 and 1 more transcripts); c.1020A>G, p.Gly340= (NM_001278409.2).
Identifiers: ClinVar variation 1986170 (VCV001986170.5), dbSNP rs755243184, ClinGen allele CA210320234.

ClinVar aggregate classification (germline): Likely benign. Review status: criteria provided, multiple submitters, no conflicts (2 of 4 stars). 2 submissions from 2 submitters: Likely benign (2). Last evaluated 2025-08-25.

Allele frequency attached by ClinVar (database versions not stated): TOPMed below 0.00001; gnomAD 0.00001; gnomAD exomes 0.00003.
gnomAD v4.1: 40 of 1,612,156 alleles (0.0025%); highest among the groups gnomAD compares: Non-Finnish European, 0.0032%; no homozygotes.

Submissions (2):

Mayo Clinic Laboratories, Mayo Clinic
Classification: Likely benign. Last evaluated: 2025-08-25. Review status: criteria provided, single submitter. Criteria: ACMG Guidelines, 2015. Collection method: clinical testing. Allele origin: germline. Observed: 1 variant allele.
Comment: BS2, BP4, BP7

Labcorp Genetics (formerly Invitae), Labcorp
Classification: Likely benign. Last evaluated: 2022-05-08. Review status: criteria provided, single submitter. Criteria: Invitae Variant Classification Sherloc (09022015). Collection method: clinical testing. Allele origin: germline.